The following is an entry in ClinVar:

ClinVar aggregate classification (germline): Uncertain significance (1 of 4 stars; one submission).

Allele frequency attached by ClinVar (database versions not stated): TOPMed below 0.00001.

Submission:

Labcorp Genetics (formerly Invitae), Labcorp
Classification: Uncertain significance. Last evaluated: 2023-08-28. Review status: criteria provided, single submitter. Criteria: Invitae Variant Classification Sherloc (09022015). Collection method: clinical testing. Allele origin: germline.
Comment: This sequence change replaces alanine, which is neutral and non-polar, with valine, which is neutral and non-polar, at codon 33 of the DEAF1 protein (p.Ala33Val). This variant is not present in population databases (gnomAD no frequency). This variant has not been reported in the literature in individuals affected with DEAF1-related conditions. Advanced modeling of protein sequence and biophysical properties (such as structural, functional, and spatial information, amino acid conservation, physicochemical variation, residue mobility, and thermodynamic stability) has been performed at Invitae for this missense variant, however the output from this modeling did not meet the statistical confidence thresholds required to predict the impact of this variant on DEAF1 protein function. In summary, the available evidence is currently insufficient to determine the role of this variant in disease. Therefore, it has been classified as a Variant of Uncertain Significance.

NM_021008.4(DEAF1):c.98C>T (p.Ala33Val)

Gene: DEAF1 (DEAF1 transcription factor; minus strand). Cytogenetic location: 11p15.5.
Variant type: single nucleotide variant.
Coding change: c.98C>T on transcript NM_021008.4 (MANE Select); coding-DNA position 98, C replaced by T.
Protein change: p.Ala33Val; replaces alanine 33 with valine.
Molecular consequence: missense variant. On other transcripts: intron variant (1).
Genome position (GRCh38, 1-based): chr11:694,950, G>A on the plus strand (C>T on the coding strand, the complement: DEAF1 is on the minus strand). VCF-style: chr11-694950-G-A. GRCh37 (hg19) VCF-style: chr11-694950-G-A.
Other names: c.98C>T, p.Ala33Val (NM_001293634.2); c.-437-3352C>T (NM_001367390.1); short protein forms A33V.
Identifiers: ClinVar variation 2850652 (VCV002850652.3), dbSNP rs1861047177, ClinGen allele CA378940130.